The following is an entry in ClinVar:

ClinVar aggregate classification (germline): Pathogenic. Review status: criteria provided, multiple submitters, no conflicts (2 of 4 stars). 2 submissions from 2 submitters: Pathogenic (2). Last evaluated 2022-06-30.

Submissions (2):

Labcorp Genetics (formerly Invitae), Labcorp
Classification: Pathogenic. Last evaluated: 2022-06-30. Review status: criteria provided, single submitter. Criteria: Invitae Variant Classification Sherloc (09022015). Collection method: clinical testing. Allele origin: germline.
Comment: For these reasons, this variant has been classified as Pathogenic. This variant disrupts the C-terminus of the RP1 protein. Many variants that disrupt this region have been reported in individuals with either autosomal dominant or autosomal recessive retinitis pigmentosa (PMID: 11527933, 19933189, 29425069, 30027431, 33681214). Therefore, variants that disrupt this region are expected to be disease-causing. ClinVar contains an entry for this variant (Variation ID: 986928). This variant has not been observed in the literature in individuals with autosomal recessive RP1-related conditions. This variant has been reported in individual(s) with autosomal dominant retinitis pigmentosa (Invitae); however, the role of the variant in this condition is currently unclear. This variant is not present in population databases (gnomAD no frequency). This sequence change creates a premature translational stop signal (p.Lys659*) in the RP1 gene. While this is not anticipated to result in nonsense mediated decay, it is expected to disrupt the last 1498 amino acid(s) of the RP1 protein.

Institute of Medical Genetics and Applied Genomics, University Hospital Tübingen
Classification: Pathogenic. Last evaluated: 2020-10-23. Review status: criteria provided, single submitter. Criteria: ACMG Guidelines, 2015. Collection method: clinical testing. Allele origin: germline. Inheritance: Autosomal unknown. Affected: yes.

Literature cited by the submitters: PubMed 11527933 (cited by Labcorp Genetics (formerly Invitae), Labcorp); PubMed 19933189 (cited by Labcorp Genetics (formerly Invitae), Labcorp); PubMed 29425069 (cited by Labcorp Genetics (formerly Invitae), Labcorp); PubMed 30027431 (cited by Labcorp Genetics (formerly Invitae), Labcorp); PubMed 33681214 (cited by Labcorp Genetics (formerly Invitae), Labcorp).

NM_006269.2(RP1):c.1975A>T (p.Lys659Ter)

Gene: RP1 (RP1 axonemal microtubule associated; plus strand). Cytogenetic location: 8q12.1.
Variant type: single nucleotide variant.
Coding change: c.1975A>T on transcript NM_006269.2 (MANE Select); coding-DNA position 1975, A replaced by T.
Protein change: p.Lys659Ter; replaces lysine 659 with a stop codon.
Molecular consequence: nonsense. On other transcripts: intron variant (1).
Genome position (GRCh38, 1-based): chr8:54,625,857, A>T. VCF-style: chr8-54625857-A-T. GRCh37 (hg19) VCF-style: chr8-55538417-A-T.
Other names: c.787+3569A>T (NM_001375654.1); short protein forms K659*.
Identifiers: ClinVar variation 986928 (VCV000986928.6), dbSNP rs1806028872, ClinGen allele CA370992457.